The following is an entry in ClinVar:

NM_144573.4(NEXN):c.1694T>C (p.Ile565Thr)

Gene: NEXN (nexilin F-actin binding protein; plus strand). Cytogenetic location: 1p31.1.
Variant type: single nucleotide variant.
Coding change: c.1694T>C on transcript NM_144573.4 (MANE Select); coding-DNA position 1694, T replaced by C.
Protein change: p.Ile565Thr; replaces isoleucine 565 with threonine.
Molecular consequence: missense variant.
Genome position (GRCh38, 1-based): chr1:77,942,495, T>C. VCF-style: chr1-77942495-T-C. GRCh37 (hg19) VCF-style: chr1-78408180-T-C.
Other names: p.Ile565Thr; c.1502T>C, p.Ile501Thr (NM_001172309.2); short protein forms I501T, I565T.
Identifiers: ClinVar variation 2252917 (VCV002252917.3), dbSNP rs763580457, ClinGen allele CA918966.

ClinVar aggregate classification (germline): Uncertain significance. Review status: criteria provided, multiple submitters, no conflicts (2 of 4 stars). 2 submissions from 2 submitters: Uncertain significance (2). Last evaluated 2025-05-08.

Conditions:
Cardiovascular phenotype. Identifiers: MedGen CN230736.

Allele frequency attached by ClinVar (database versions not stated): gnomAD exomes 0.00001; ExAC 0.00001.
gnomAD v4.1: 9 of 1,613,858 alleles (0.00056%); highest among the groups gnomAD compares: East Asian, 0.0022%; no homozygotes.

Submissions (2):

Mayo Clinic Laboratories, Mayo Clinic
Classification: Uncertain significance. Last evaluated: 2025-05-08. Review status: criteria provided, single submitter. Criteria: ACMG Guidelines, 2015. Collection method: clinical testing. Allele origin: germline. Observed: 1 variant allele.
Comment: BP4_moderate, PM2_supporting

Ambry Genetics
Classification: Uncertain significance for Cardiovascular phenotype. Last evaluated: 2021-09-30. Review status: criteria provided, single submitter. Criteria: Ambry Variant Classification Scheme 2023. Collection method: clinical testing. Allele origin: germline.